The following is an entry in ClinVar:

ClinVar aggregate classification (germline): Likely pathogenic. Review status: no assertion criteria provided (0 of 4 stars). 2 submissions from 2 submitters: Likely pathogenic (1). 1 of the submissions does not count toward it. Last evaluated 2020-11-01.

Conditions:
von Willebrand disease type 3 (VWD3). Also called: Type 3 Von Willebrand's disease; Type 3 VWD; Von Willebrand disease, severe form; V WD3; VON WILLEBRAND DISEASE, TYPE III. Identifiers: Orphanet 166096, MedGen C1264041, MONDO:0010191, OMIM 277480.

Allele frequency attached by ClinVar (database versions not stated): gnomAD exomes below 0.00001; ExAC 0.00001.
gnomAD v4.1: 1 of 1,612,164 alleles (0.000062%); highest among the groups gnomAD compares: Non-Finnish European, 0.000085%; no homozygotes.

Submissions (2):

Angelo Bianchi Bonomi Hemophilia and Thrombosis Center, Fondazione IRCCS Ca Granda Ospedale Maggiore Policlinico
Classification: Likely pathogenic for von Willebrand disease type 3. Last evaluated: 2020-11-01. Review status: no assertion criteria provided. Collection method: clinical testing. Allele origin: germline. Affected: yes. Study: Type 3 Von Willebrand International Registries Inhibitor Prospective Study (3WINTERS-IPS).
Comment: ClinGen Pathogenicity Calculator

Academic Unit of Haematology, University of Sheffield
No classification provided. Review status: no classification provided. Collection method: not provided. Allele origin: not provided. Not counted in ClinVar's aggregate classification.

NM_000552.5(VWF):c.3679T>C (p.Cys1227Arg)

Gene: VWF (von Willebrand factor; minus strand). Cytogenetic location: 12p13.31.
Variant type: single nucleotide variant.
Coding change: c.3679T>C on transcript NM_000552.5 (MANE Select); coding-DNA position 3679, T replaced by C.
Protein change: p.Cys1227Arg; replaces cysteine 1227 with arginine.
Molecular consequence: missense variant.
Genome position (GRCh38, 1-based): chr12:6,019,739, A>G on the plus strand (T>C on the coding strand, the complement: VWF is on the minus strand). VCF-style: chr12-6019739-A-G. GRCh37 (hg19) VCF-style: chr12-6128905-A-G.
Other names: short protein forms C1227R.
Identifiers: ClinVar variation 100273 (VCV000100273.4), dbSNP rs61749366, ClinGen allele CA228431.
Genomic context (GRCh38, chr12:6,019,739, plus strand): 5'-GAGGCACCACCAGGCCTCCCGGCTCCTGGCAGGCTTCACAGGTGAGGTTGACAACATCAC[A>G]GTGGCTGCAGAAAAGAGCGAAGAAATTAAAATGGTTCAGGAAGAACCTGTGGACACTTCT-3'
Protein context (NP_000543.3, residues 1217-1237): SDPEHCQICH[Cys1227Arg]DVVNLTCEAC